The following is an entry in ClinVar:

NM_001042492.3(NF1):c.1721+2T>C

Gene: NF1 (neurofibromin 1; plus strand). Cytogenetic location: 17q11.2.
Variant type: single nucleotide variant.
Coding change: c.1721+2T>C on transcript NM_001042492.3 (MANE Select); the canonical splice donor site of the intron after coding-DNA position 1721, T replaced by C.
Molecular consequence: splice donor variant. On other transcripts: missense variant (1).
Genome position (GRCh38, 1-based): chr17:31,221,931, T>C. VCF-style: chr17-31221931-T-C. GRCh37 (hg19) VCF-style: chr17-29548949-T-C.
Other names: c.1723T>C, p.Tyr575His (NM_001128147.3); c.1721+2T>C (NM_000267.4); short protein forms Y575H.
Identifiers: ClinVar variation 2736517 (VCV002736517.4), dbSNP rs1567845116, ClinGen allele CA399002395.
Genomic context (GRCh38, chr17:31,221,931, plus strand): 5'-TTAGATAGCATTGATTTGTGGAATCCTGATGCTCCTGTAGAAACATTTTGGGAGATTAGG[T>C]ATATGTACTTTTATTTTTTAAATTCAACTTTTAAATTTTATTTTGTATTTTTGTCTTGAA-3'

ClinVar aggregate classification (germline): Pathogenic/Likely pathogenic. Review status: criteria provided, multiple submitters, no conflicts (2 of 4 stars). 2 submissions from 2 submitters: Pathogenic (1); Likely pathogenic (1). Last evaluated 2025-04-14.

Conditions:
Neurofibromatosis, type 1 (NF1). Also called: Neurofibromatosis, type I; Peripheral type neurofibromatosis; VON RECKLINGHAUSEN DISEASE; NEUROFIBROMATOSIS, TYPE I, SOMATIC. Identifiers: Orphanet 636, MedGen C0027831, MONDO:0018975, OMIM 162200. Disease mechanism: loss of function.
Cardiovascular phenotype. Identifiers: MedGen CN230736.
Hereditary cancer-predisposing syndrome. Also called: Hereditary neoplastic syndrome; Hereditary Cancer Syndrome; Neoplastic Syndromes, Hereditary; Tumor predisposition. Identifiers: Orphanet 140162, MedGen C0027672, MeSH D009386, MONDO:0015356.

Submissions (2):

Ambry Genetics
Classification: Likely pathogenic for Cardiovascular phenotype; Hereditary cancer-predisposing syndrome. Last evaluated: 2025-04-14. Review status: criteria provided, single submitter. Criteria: Ambry Variant Classification Scheme 2023. Collection method: clinical testing. Allele origin: germline.
Comment: The c.1721+2T>C intronic variant results from a T to C substitution two nucleotides after coding exon 15 in the NF1 gene. In silico splice site analysis predicts that this alteration will weaken the native splice donor site. RNA studies have demonstrated that this alteration results in abnormal splicing in the set of samples tested (Ambry internal data). Other variant(s) impacting the same donor site (c.1721+1G>T) has been identified in individual(s) with features consistent with Neurofibromatosis type 1 (Sabbagh A et al. Hum Mutat. 2013 Nov;34:; Ambry internal data). This variant is considered to be rare based on population cohorts in the Genome Aggregation Database (gnomAD). Based on the majority of available evidence to date, this variant is likely to be pathogenic.

Labcorp Genetics (formerly Invitae), Labcorp
Classification: Pathogenic for Neurofibromatosis, type 1. Last evaluated: 2023-09-03. Review status: criteria provided, single submitter. Criteria: Invitae Variant Classification Sherloc (09022015). Collection method: clinical testing. Allele origin: germline.
Comment: This sequence change affects a donor splice site in intron 15 of the NF1 gene. It is expected to disrupt RNA splicing. Variants that disrupt the donor or acceptor splice site typically lead to a loss of protein function (PMID: 16199547), and loss-of-function variants in NF1 are known to be pathogenic (PMID: 10712197, 23913538). This variant is not present in population databases (gnomAD no frequency). For these reasons, this variant has been classified as Pathogenic. Algorithms developed to predict the effect of sequence changes on RNA splicing suggest that this variant may disrupt the consensus splice site. Disruption of this splice site has been observed in individual(s) with neurofibromatosis type 1 (PMID: 12552569, 18546366).

Literature cited by the submitters: PubMed 16199547 (cited by Labcorp Genetics (formerly Invitae), Labcorp); PubMed 10712197 (cited by Labcorp Genetics (formerly Invitae), Labcorp); PubMed 23913538 (cited by Labcorp Genetics (formerly Invitae), Labcorp); PubMed 12552569 (cited by Labcorp Genetics (formerly Invitae), Labcorp); PubMed 18546366 (cited by Labcorp Genetics (formerly Invitae), Labcorp).